The following is an entry in ClinVar:

ClinVar aggregate classification (germline): Likely benign (1 of 4 stars; one submission).

Allele frequency attached by ClinVar (database versions not stated): gnomAD 0.00028; TOPMed 0.00033; ESP Exome Variant Server 0.00038; ExAC 0.00044.
gnomAD v4.1: 612 of 1,171,284 alleles (0.052%); highest among the groups gnomAD compares: Non-Finnish European, 0.065%; no homozygotes.

Submission:

CeGaT Center for Human Genetics Tuebingen
Classification: Likely benign. Last evaluated: 2022-09-01. Review status: criteria provided, single submitter. Criteria: CeGaT Center For Human Genetics Tuebingen Variant Classification Criteria Version 2. Collection method: clinical testing. Allele origin: germline. Affected: yes. Observed: 1 variant allele.
Comment: TENM1: BP4, BP7

NM_001163278.2(TENM1):c.3729T>A (p.Ala1243=)

Gene: TENM1 (teneurin transmembrane protein 1; minus strand). Cytogenetic location: Xq25.
Variant type: single nucleotide variant.
Coding change: c.3729T>A on transcript NM_001163278.2 (MANE Select); coding-DNA position 3729, T replaced by A.
Protein change: p.Ala1243=; no amino-acid change (alanine 1243 retained).
Molecular consequence: synonymous variant.
Genome position (GRCh38, 1-based): chrX:124,481,952, A>T on the plus strand (T>A on the coding strand, the complement: TENM1 is on the minus strand). VCF-style: chrX-124481952-A-T. GRCh37 (hg19) VCF-style: chrX-123615802-A-T.
Other names: c.3726T>A, p.Ala1242= (NM_001163279.1); c.3708T>A, p.Ala1236= (NM_014253.3).
Identifiers: ClinVar variation 2661364 (VCV002661364.24), dbSNP rs140641496, ClinGen allele CA10509910.